The following is an entry in ClinVar:

ClinVar aggregate classification (germline): Uncertain significance. Review status: criteria provided, multiple submitters, no conflicts (2 of 4 stars). 3 submissions from 3 submitters: Uncertain significance (3). Last evaluated 2025-07-30.

Conditions:
Hereditary cancer-predisposing syndrome. Also called: Tumor predisposition; Hereditary Cancer Syndrome; Hereditary neoplastic syndrome; Neoplastic Syndromes, Hereditary. Identifiers: Orphanet 140162, MedGen C0027672, MeSH D009386, MONDO:0015356.
Familial adenomatous polyposis 1 (FAP1). Also called: FAMILIAL ADENOMATOUS POLYPOSIS 1, ATTENUATED; POLYPOSIS, ADENOMATOUS INTESTINAL. Identifiers: MedGen C2713442, MONDO:0021056, OMIM 175100. Disease mechanism: loss of function.

Allele frequency attached by ClinVar (database versions not stated): gnomAD exomes below 0.00001.
gnomAD v4.1: 2 of 1,613,868 alleles (0.00012%); highest among the groups gnomAD compares: Admixed American, 0.0017%; no homozygotes.

Submissions (3):

Labcorp Genetics (formerly Invitae), Labcorp
Classification: Uncertain significance for Familial adenomatous polyposis 1. Last evaluated: 2025-07-30. Review status: criteria provided, single submitter. Criteria: Invitae Variant Classification Sherloc (09022015). Collection method: clinical testing. Allele origin: germline.
Comment: This sequence change replaces serine, which is neutral and polar, with tyrosine, which is neutral and polar, at codon 2247 of the APC protein (p.Ser2247Tyr). The frequency data for this variant in the population databases is considered unreliable, as metrics indicate poor data quality at this position in the gnomAD database. This variant has not been reported in the literature in individuals affected with APC-related conditions. ClinVar contains an entry for this variant (Variation ID: 1470377). Invitae Evidence Modeling of protein sequence and biophysical properties (such as structural, functional, and spatial information, amino acid conservation, physicochemical variation, residue mobility, and thermodynamic stability) indicates that this missense variant is not expected to disrupt APC protein function with a negative predictive value of 95%. In summary, the available evidence is currently insufficient to determine the role of this variant in disease. Therefore, it has been classified as a Variant of Uncertain Significance.

Baylor Genetics
Classification: Uncertain significance for Familial adenomatous polyposis 1. Last evaluated: 2024-03-27. Review status: criteria provided, single submitter. Criteria: ACMG Guidelines, 2015. Collection method: clinical testing. Allele origin: unknown.

Ambry Genetics
Classification: Uncertain significance for Hereditary cancer-predisposing syndrome. Last evaluated: 2023-12-29. Review status: criteria provided, single submitter. Criteria: Ambry Variant Classification Scheme 2023. Collection method: clinical testing. Allele origin: germline.
Comment: The p.S2247Y variant (also known as c.6740C>A), located in coding exon 15 of the APC gene, results from a C to A substitution at nucleotide position 6740. The serine at codon 2247 is replaced by tyrosine, an amino acid with dissimilar properties. This amino acid position is not well conserved in available vertebrate species. In addition, in silico predictors for this gene do not accurately predict pathogenicity. Since supporting evidence is limited at this time, the clinical significance of this alteration remains unclear.

NM_000038.6(APC):c.6740C>A (p.Ser2247Tyr)

Gene: APC (APC regulator of Wnt signaling pathway; plus strand). Cytogenetic location: 5q22.2.
Variant type: single nucleotide variant.
Coding change: c.6740C>A on transcript NM_000038.6 (MANE Select); coding-DNA position 6740, C replaced by A.
Protein change: p.Ser2247Tyr; replaces serine 2247 with tyrosine.
Molecular consequence: missense variant.
Genome position (GRCh38, 1-based): chr5:112,842,334, C>A. VCF-style: chr5-112842334-C-A. GRCh37 (hg19) VCF-style: chr5-112178031-C-A.
Other names: c.6740C>A, p.Ser2247Tyr (NM_001127510.3, NM_001354895.2); c.6686C>A, p.Ser2229Tyr (NM_001127511.3); c.6794C>A, p.Ser2265Tyr (NM_001354896.2); c.6770C>A, p.Ser2257Tyr (NM_001354897.2); c.6665C>A, p.Ser2222Tyr (NM_001354898.2); c.6656C>A, p.Ser2219Tyr (NM_001354899.2); c.6617C>A, p.Ser2206Tyr (NM_001354900.2); c.6563C>A, p.Ser2188Tyr (NM_001354901.2); and 6 more; short protein forms S2156Y, S2229Y, S2257Y, S2265Y, S2121Y, S1964Y, S2146Y, S2188Y.
Identifiers: ClinVar variation 1470377 (VCV001470377.10), dbSNP rs1320484906, ClinGen allele CA16036060.